The following is an entry in ClinVar:

NM_001042492.3(NF1):c.2356C>A (p.Gln786Lys)

Gene: NF1 (neurofibromin 1; plus strand). Cytogenetic location: 17q11.2.
Variant type: single nucleotide variant.
Coding change: c.2356C>A on transcript NM_001042492.3 (MANE Select); coding-DNA position 2356, C replaced by A.
Protein change: p.Gln786Lys; replaces glutamine 786 with lysine.
Molecular consequence: missense variant.
Genome position (GRCh38, 1-based): chr17:31,227,553, C>A. VCF-style: chr17-31227553-C-A. GRCh37 (hg19) VCF-style: chr17-29554571-C-A.
Other names: c.2356C>A, p.Gln786Lys (NM_000267.4); short protein forms Q786K.
Identifiers: ClinVar variation 480119 (VCV000480119.12), dbSNP rs1555613999, ClinGen allele CA398983122.

ClinVar aggregate classification (germline): Uncertain significance. Review status: criteria provided, multiple submitters, no conflicts (2 of 4 stars). 3 submissions from 3 submitters: Uncertain significance (3). Last evaluated 2023-07-26.

Conditions:
Cardiovascular phenotype. Identifiers: MedGen CN230736.
Hereditary cancer-predisposing syndrome. Also called: Hereditary neoplastic syndrome; Neoplastic Syndromes, Hereditary; Tumor predisposition; Hereditary Cancer Syndrome. Identifiers: Orphanet 140162, MedGen C0027672, MeSH D009386, MONDO:0015356.
Neurofibromatosis, type 1 (NF1). Also called: VON RECKLINGHAUSEN DISEASE; Peripheral type neurofibromatosis; NEUROFIBROMATOSIS, TYPE I, SOMATIC; Neurofibromatosis, type I. Identifiers: Orphanet 636, MedGen C0027831, MONDO:0018975, OMIM 162200. Disease mechanism: loss of function.

Submissions (3):

Ambry Genetics
Classification: Uncertain significance for Cardiovascular phenotype; Hereditary cancer-predisposing syndrome. Last evaluated: 2023-07-26. Review status: criteria provided, single submitter. Criteria: Ambry Variant Classification Scheme 2023. Collection method: clinical testing. Allele origin: germline.
Comment: The p.Q786K variant (also known as c.2356C>A), located in coding exon 20 of the NF1 gene, results from a C to A substitution at nucleotide position 2356. The glutamine at codon 786 is replaced by lysine, an amino acid with similar properties. This amino acid position is well conserved in available vertebrate species. In addition, this alteration is predicted to be tolerated by in silico analysis. Since supporting evidence is limited at this time, the clinical significance of this alteration remains unclear.

Genome-Nilou Lab
Classification: Uncertain significance for Neurofibromatosis, type 1. Last evaluated: 2022-03-15. Review status: criteria provided, single submitter. Criteria: ACMG Guidelines, 2015. Collection method: clinical testing. Allele origin: germline. Affected: no.

Labcorp Genetics (formerly Invitae), Labcorp
Classification: Uncertain significance for Neurofibromatosis, type 1. Last evaluated: 2022-01-16. Review status: criteria provided, single submitter. Criteria: Invitae Variant Classification Sherloc (09022015). Collection method: clinical testing. Allele origin: germline.
Comment: This sequence change replaces glutamine, which is neutral and polar, with lysine, which is basic and polar, at codon 786 of the NF1 protein (p.Gln786Lys). This variant is not present in population databases (gnomAD no frequency). This variant has not been reported in the literature in individuals affected with NF1-related conditions. ClinVar contains an entry for this variant (Variation ID: 480119). Advanced modeling of protein sequence and biophysical properties (such as structural, functional, and spatial information, amino acid conservation, physicochemical variation, residue mobility, and thermodynamic stability) performed at Invitae indicates that this missense variant is not expected to disrupt NF1 protein function. In summary, the available evidence is currently insufficient to determine the role of this variant in disease. Therefore, it has been classified as a Variant of Uncertain Significance.